The following is an entry in ClinVar:

NM_000063.6(C2):c.217C>T (p.Pro73Ser)

Gene: C2 (complement C2; plus strand). Cytogenetic location: 6p21.33.
Variant type: single nucleotide variant.
Coding change: c.217C>T on transcript NM_000063.6 (MANE Select); coding-DNA position 217, C replaced by T.
Protein change: p.Pro73Ser; replaces proline 73 with serine.
Molecular consequence: missense variant. On other transcripts: synonymous variant (1), genic upstream transcript variant (2), intron variant (1).
Genome position (GRCh38, 1-based): chr6:31,928,125, C>T. VCF-style: chr6-31928125-C-T. GRCh37 (hg19) VCF-style: chr6-31895902-C-T.
Other names: c.102C>T, p.Pro34= (NM_001282458.2); c.217C>T, p.Pro73Ser (NM_001282459.2); c.-63-5485C>T (NM_001282457.2); c.74-5485C>T (NM_001178063.3); c.46+327C>T (NM_001145903.3); short protein forms P73S.
Identifiers: ClinVar variation 3003517 (VCV003003517.1), dbSNP rs779783858, ClinGen allele CA3727303.

ClinVar aggregate classification (germline): Uncertain significance (1 of 4 stars; one submission).

Allele frequency attached by ClinVar (database versions not stated): gnomAD 0.00001; TOPMed 0.00001; ExAC 0.00003.
gnomAD v4.1: 33 of 1,613,004 alleles (0.002%); highest among the groups gnomAD compares: Admixed American, 0.0067%; no homozygotes.

Submission:

Labcorp Genetics (formerly Invitae), Labcorp
Classification: Uncertain significance. Last evaluated: 2023-11-01. Review status: criteria provided, single submitter. Criteria: Invitae Variant Classification Sherloc (09022015). Collection method: clinical testing. Allele origin: germline.
Comment: This sequence change replaces proline, which is neutral and non-polar, with serine, which is neutral and polar, at codon 73 of the C2 protein (p.Pro73Ser). This variant is present in population databases (rs779783858, gnomAD 0.009%). This variant has not been reported in the literature in individuals affected with C2-related conditions. Advanced modeling of protein sequence and biophysical properties (such as structural, functional, and spatial information, amino acid conservation, physicochemical variation, residue mobility, and thermodynamic stability) performed at Invitae indicates that this missense variant is not expected to disrupt C2 protein function with a negative predictive value of 80%. In summary, the available evidence is currently insufficient to determine the role of this variant in disease. Therefore, it has been classified as a Variant of Uncertain Significance.